The following is an entry in ClinVar:

NM_000179.3(MSH6):c.164_177del (p.Pro55fs)

Gene: MSH6 (mutS homolog 6; plus strand). Cytogenetic location: 2p16.3.
Variant type: Deletion.
Coding change: c.164_177del on transcript NM_000179.3 (MANE Select); coding-DNA positions 164 to 177, 14 bases deleted (CTGGGCCCAGGCCC).
Protein change: p.Pro55fs; shifts the reading frame from proline 55.
Molecular consequence: frameshift variant. On other transcripts: 5 prime UTR variant (1).
Genome position (GRCh38, 1-based): chr2:47,783,397-47,783,410, CTGGGCCCAGGCCC deleted; deleting any 14 consecutive bases within chr2:47,783,396-47,783,410 gives the same sequence; the c. name uses the placement nearest the transcript's 3' end. VCF-style (leftmost placement, unchanged base first): chr2-47783395-GCCTGGGCCCAGGCC-G. GRCh37 (hg19) VCF-style: chr2-48010534-GCCTGGGCCCAGGCC-G.
Other names: c.164_177del, p.Pro55fs (NM_001281492.2); c.-573_-560del (NM_001281493.2); short protein forms P55fs.
Identifiers: ClinVar variation 577004 (VCV000577004.11), dbSNP rs1558645195, ClinGen allele CA891843159.
Genomic context (GRCh38, chr2:47,783,395, plus strand): 5'-CGCCGCTGCCCCCGGGGCCTCTCCTTCCCCAGGCGGGGATGCGGCCTGGAGCGAGGCTGG[GCCTGGGCCCAGGCC>G]CTTGGCGCGCTCCGCGTCACCGCCCAAGGCGAAGAACCTCAACGGAGGGCTGCGGAGATC-3'

ClinVar aggregate classification (germline): Pathogenic. Review status: criteria provided, multiple submitters, no conflicts (2 of 4 stars). 2 submissions from 2 submitters: Pathogenic (2). Last evaluated 2023-08-09.

Conditions:
Lynch syndrome 5 (LYNCH5). Also called: Colorectal cancer, hereditary nonpolyposis, type 5; Hereditary non-polyposis colorectal cancer, type 5. Identifiers: Orphanet 144, MedGen C1833477, MONDO:0013710, OMIM 614350. Disease mechanism: loss of function.
Hereditary nonpolyposis colorectal neoplasms. Identifiers: MedGen C0009405, MeSH D003123.

Submissions (2):

Myriad Genetics, Inc.
Classification: Pathogenic for Lynch syndrome 5. Last evaluated: 2023-08-09. Review status: criteria provided, single submitter. Criteria: Myriad Autosomal Dominant, Autosomal Recessive and X-Linked Classification Criteria (2023). Collection method: clinical testing. Allele origin: unknown.
Comment: This variant is considered pathogenic. This variant creates a frameshift predicted to result in premature protein truncation.

Labcorp Genetics (formerly Invitae), Labcorp
Classification: Pathogenic for Hereditary nonpolyposis colorectal neoplasms. Last evaluated: 2019-01-04. Review status: criteria provided, single submitter. Criteria: Invitae Variant Classification Sherloc (09022015). Collection method: clinical testing. Allele origin: germline.
Comment: For these reasons, this variant has been classified as Pathogenic. Loss-of-function variants in MSH6 are known to be pathogenic (PMID: 18269114, 24362816). This variant has not been reported in the literature in individuals with MSH6-related conditions. ClinVar contains an entry for this variant (Variation ID: 577004). The frequency data for this variant in the population databases is considered unreliable, as metrics indicate insufficient coverage at this position in the ExAC database. This sequence change creates a premature translational stop signal (p.Pro55Leufs*30) in the MSH6 gene. It is expected to result in an absent or disrupted protein product.

Literature cited by the submitters: PubMed 18269114 (cited by Labcorp Genetics (formerly Invitae), Labcorp); PubMed 24362816 (cited by Labcorp Genetics (formerly Invitae), Labcorp).